The following is an entry in ClinVar:

ClinVar aggregate classification (germline): Likely benign (0 of 4 stars; one submission).

Conditions:
IFT172-related disorder. Also called: IFT172-related disorders; IFT172-related condition.

gnomAD v4.1: 3 of 1,613,322 alleles (0.00019%); highest among the groups gnomAD compares: African/African-American, 0.0027%; no homozygotes.

Submission:

PreventionGenetics, part of Exact Sciences
Classification: Likely benign for IFT172-related condition. Last evaluated: 2022-12-21. Review status: no assertion criteria provided. Collection method: clinical testing. Allele origin: germline.
Comment: This variant is classified as likely benign based on ACMG/AMP sequence variant interpretation guidelines (Richards et al. 2015 PMID: 25741868, with internal and published modifications).

NM_015662.3(IFT172):c.1830-7T>C

Gene: IFT172 (intraflagellar transport 172; minus strand). Cytogenetic location: 2p23.3.
Variant type: single nucleotide variant.
Coding change: c.1830-7T>C on transcript NM_015662.3 (MANE Select); 7 bases into the intron before coding-DNA position 1830, T replaced by C.
Molecular consequence: intron variant.
Genome position (GRCh38, 1-based): chr2:27,465,525, A>G on the plus strand (T>C on the coding strand, the complement: IFT172 is on the minus strand). VCF-style: chr2-27465525-A-G. GRCh37 (hg19) VCF-style: chr2-27688392-A-G.
Other names: c.1764-7T>C (NM_001410739.1).
Identifiers: ClinVar variation 3356291 (VCV003356291.1).